The following is an entry in ClinVar:

NM_152564.5(VPS13B):c.7618C>G (p.Gln2540Glu)

Gene: VPS13B (vacuolar protein sorting 13 homolog B; plus strand). Cytogenetic location: 8q22.2.
Variant type: single nucleotide variant.
Coding change: c.7618C>G on transcript NM_152564.5 (MANE Select); coding-DNA position 7618, C replaced by G.
Protein change: p.Gln2540Glu; replaces glutamine 2540 with glutamic acid.
Molecular consequence: missense variant.
Genome position (GRCh38, 1-based): chr8:99,778,870, C>G. VCF-style: chr8-99778870-C-G. GRCh37 (hg19) VCF-style: chr8-100791098-C-G.
Other names: c.7693C>G, p.Gln2565Glu (NM_017890.5); short protein forms Q2565E, Q2540E.
Identifiers: ClinVar variation 2115714 (VCV002115714.4), dbSNP rs2491842813, ClinGen allele CA371876357.

ClinVar aggregate classification (germline): Uncertain significance (1 of 4 stars; one submission).

Conditions:
Cohen syndrome (COH1). Also called: Cutis verticis gyrata, retinitis pigmentosa, and sensorineural deafness; PEPPER SYNDROME. Identifiers: Orphanet 193, MedGen C0265223, MONDO:0008999, OMIM 216550.

Submission:

Labcorp Genetics (formerly Invitae), Labcorp
Classification: Uncertain significance for Cohen syndrome. Last evaluated: 2022-04-19. Review status: criteria provided, single submitter. Criteria: Invitae Variant Classification Sherloc (09022015). Collection method: clinical testing. Allele origin: germline.
Comment: Algorithms developed to predict the effect of missense changes on protein structure and function are either unavailable or do not agree on the potential impact of this missense change (SIFT: "Not Available"; PolyPhen-2: "Benign"; Align-GVGD: "Not Available"). In summary, the available evidence is currently insufficient to determine the role of this variant in disease. Therefore, it has been classified as a Variant of Uncertain Significance. This variant has not been reported in the literature in individuals affected with VPS13B-related conditions. This variant is not present in population databases (gnomAD no frequency). This sequence change replaces glutamine, which is neutral and polar, with glutamic acid, which is acidic and polar, at codon 2565 of the VPS13B protein (p.Gln2565Glu).